The following is an entry in ClinVar:

ClinVar aggregate classification (germline): Uncertain significance (1 of 4 stars; one submission).

Conditions:
Hereditary cancer-predisposing syndrome. Also called: Hereditary Cancer Syndrome; Hereditary neoplastic syndrome; Neoplastic Syndromes, Hereditary; Tumor predisposition. Identifiers: Orphanet 140162, MedGen C0027672, MeSH D009386, MONDO:0015356.

Submission:

Ambry Genetics
Classification: Uncertain significance for Hereditary cancer-predisposing syndrome. Last evaluated: 2025-05-19. Review status: criteria provided, single submitter. Criteria: Ambry Variant Classification Scheme 2023. Collection method: clinical testing. Allele origin: germline.
Comment: The p.A19D variant (also known as c.56C>A), located in coding exon 1 of the PHOX2B gene, results from a C to A substitution at nucleotide position 56. The alanine at codon 19 is replaced by aspartic acid, an amino acid with dissimilar properties. This amino acid position is highly conserved in available vertebrate species. In addition, this alteration is predicted to be deleterious by in silico analysis. Based on the available evidence, the clinical significance of this variant remains unclear.

NM_003924.4(PHOX2B):c.56C>A (p.Ala19Asp)

Genes: PHOX2B-AS1 (PHOX2B antisense RNA 1; plus strand), PHOX2B (paired like homeobox 2B; minus strand). Cytogenetic location: 4p13.
Variant type: single nucleotide variant.
Coding change: c.56C>A on transcript NM_003924.4 (MANE Select); coding-DNA position 56, C replaced by A.
Protein change: p.Ala19Asp; replaces alanine 19 with aspartic acid.
Molecular consequence: missense variant.
Genome position (GRCh38, 1-based): chr4:41,748,555, G>T on the plus strand (C>A on the coding strand, the complement: PHOX2B is on the minus strand). VCF-style: chr4-41748555-G-T. GRCh37 (hg19) VCF-style: chr4-41750572-G-T.
Other names: short protein forms A19D.
Identifiers: ClinVar variation 1749146 (VCV001749146.3), dbSNP rs1353983410, ClinGen allele CA356741229.